The following is an entry in ClinVar:

ClinVar aggregate classification (germline): Uncertain significance (1 of 4 stars; one submission).

Submission:

Labcorp Genetics (formerly Invitae), Labcorp
Classification: Uncertain significance. Last evaluated: 2024-12-16. Review status: criteria provided, single submitter. Criteria: Invitae Variant Classification Sherloc (09022015). Collection method: clinical testing. Allele origin: germline.
Comment: This sequence change replaces aspartic acid, which is acidic and polar, with tyrosine, which is neutral and polar, at codon 380 of the TTLL5 protein (p.Asp380Tyr). This variant is not present in population databases (gnomAD no frequency). This variant has not been reported in the literature in individuals affected with TTLL5-related conditions. ClinVar contains an entry for this variant (Variation ID: 2087758). Invitae Evidence Modeling of protein sequence and biophysical properties (such as structural, functional, and spatial information, amino acid conservation, physicochemical variation, residue mobility, and thermodynamic stability) has been performed for this missense variant. However, the output from this modeling did not meet the statistical confidence thresholds required to predict the impact of this variant on TTLL5 protein function. Algorithms developed to predict the effect of sequence changes on RNA splicing suggest that this variant may disrupt the consensus splice site. In summary, the available evidence is currently insufficient to determine the role of this variant in disease. Therefore, it has been classified as a Variant of Uncertain Significance.

NM_015072.5(TTLL5):c.1138G>T (p.Asp380Tyr)

Gene: TTLL5 (tubulin tyrosine ligase like 5; plus strand). Cytogenetic location: 14q24.3.
Variant type: single nucleotide variant.
Coding change: c.1138G>T on transcript NM_015072.5 (MANE Select); coding-DNA position 1138, G replaced by T.
Protein change: p.Asp380Tyr; replaces aspartic acid 380 with tyrosine.
Molecular consequence: missense variant.
Genome position (GRCh38, 1-based): chr14:75,734,002, G>T. VCF-style: chr14-75734002-G-T. GRCh37 (hg19) VCF-style: chr14-76200345-G-T.
Other names: short protein forms D380Y.
Identifiers: ClinVar variation 2087758 (VCV002087758.4), dbSNP rs2503129902, ClinGen allele CA390461409.
Genomic context (GRCh38, chr14:75,734,002, plus strand): 5'-TAACCTACACACTTATCAATTGCTCTTTTCTTTCTCTGTTCTGTTAGTGATGCGCCTCTG[G>T]ACCTAAAGATTAAAGCCAGTATGATTTCAGATATGTTCACTGTTGTAGGTGAGTAGTAGT-3'
Protein context (NP_055887.3, residues 370-390): SPSLACDAPL[Asp380Tyr]LKIKASMISD